The following is an entry in ClinVar:

ClinVar aggregate classification (germline): Benign/Likely benign. Review status: criteria provided, multiple submitters, no conflicts (2 of 4 stars). 5 submissions from 5 submitters: Benign (2); Likely benign (3). Last evaluated 2025-12-30.

Conditions:
Xanthinuria type II. Also called: Xanthine dehydrogenase and aldehyde oxidase combined deficiency of; XDH and AOX dual deficiency. Identifiers: Orphanet 3467, Orphanet 93602, MedGen C1863688, MONDO:0011346, OMIM 603592.
Hereditary xanthinuria type 1 (XAN1). Identifiers: Orphanet 3467, Orphanet 93601, MedGen C0268118, MONDO:0010209, OMIM 278300.

Allele frequency attached by ClinVar (database versions not stated): gnomAD exomes 0.00040 and 0.00124; ExAC 0.00151; 1000 Genomes Project 30x 0.00422; 1000 Genomes Project 0.00479; gnomAD 0.00486 and 0.00516; TOPMed 0.00528; ESP Exome Variant Server 0.00600.
gnomAD v4.1: 1,327 of 1,604,734 alleles (0.083%); highest among the groups gnomAD compares: African/African-American, 1.6%; 11 homozygotes.

Submissions (5):

Labcorp Genetics (formerly Invitae), Labcorp
Classification: Benign for Xanthinuria type II. Last evaluated: 2025-12-30. Review status: criteria provided, single submitter. Criteria: Invitae Variant Classification Sherloc (09022015). Collection method: clinical testing. Allele origin: germline.

Genome-Nilou Lab
Classification: Benign for Hereditary xanthinuria type 1. Last evaluated: 2021-12-05. Review status: criteria provided, single submitter. Criteria: ACMG Guidelines, 2015. Collection method: clinical testing. Allele origin: germline. Affected: no.

Fulgent Genetics
Classification: Likely benign for Hereditary xanthinuria type 1. Last evaluated: 2021-07-26. Review status: criteria provided, single submitter. Criteria: ACMG Guidelines, 2015. Collection method: clinical testing. Allele origin: unknown.

Illumina Laboratory Services, Illumina
Classification: Likely benign for Hereditary xanthinuria type 1. Last evaluated: 2018-01-12. Review status: criteria provided, single submitter. Criteria: ICSL Variant Classification Criteria 13 December 2019. Collection method: clinical testing. Allele origin: germline.
Comment: This variant was observed in the ICSL laboratory as part of a predisposition screen in an ostensibly healthy population. It had not been previously curated by ICSL or reported in the Human Gene Mutation Database (HGMD: prior to June 1st, 2018), and was therefore a candidate for classification through an automated scoring system. Utilizing variant allele frequency, disease prevalence and penetrance estimates, and inheritance mode, an automated score was calculated to assess if this variant is too frequent to cause the disease. Based on the score and internal cut-off values, a variant classified as likely benign is not then subjected to further curation. The score for this variant resulted in a classification of likely benign for this disease.

Breakthrough Genomics
Classification: Likely benign. Review status: criteria provided, single submitter. Criteria: ACMG Guidelines, 2015. Collection method: not provided. Allele origin: germline. Inheritance: Autosomal recessive inheritance. Affected: yes.

NM_000379.4(XDH):c.3405-15T>C

Gene: XDH (xanthine dehydrogenase; minus strand). Cytogenetic location: 2p23.1.
Variant type: single nucleotide variant.
Coding change: c.3405-15T>C on transcript NM_000379.4 (MANE Select); 15 bases into the intron before coding-DNA position 3405, T replaced by C.
Molecular consequence: intron variant.
Genome position (GRCh38, 1-based): chr2:31,342,312, A>G on the plus strand (T>C on the coding strand, the complement: XDH is on the minus strand). VCF-style: chr2-31342312-A-G. GRCh37 (hg19) VCF-style: chr2-31565178-A-G.
Identifiers: ClinVar variation 896913 (VCV000896913.14), dbSNP rs141728694, ClinGen allele CA1598386.